The following is an entry in ClinVar:

ClinVar aggregate classification (germline): Uncertain significance (1 of 4 stars; one submission).

Conditions:
Hereditary cancer-predisposing syndrome. Also called: Neoplastic Syndromes, Hereditary; Tumor predisposition; Hereditary neoplastic syndrome; Hereditary Cancer Syndrome. Identifiers: Orphanet 140162, MedGen C0027672, MeSH D009386, MONDO:0015356.

gnomAD v4.1: 4 of 1,614,150 alleles (0.00025%); highest among the groups gnomAD compares: South Asian, 0.0033%; no homozygotes.

Submission:

Ambry Genetics
Classification: Uncertain significance for Hereditary cancer-predisposing syndrome. Last evaluated: 2026-07-07. Review status: criteria provided, single submitter. Criteria: Ambry Variant Classification Scheme 2023. Collection method: clinical testing. Allele origin: germline.
Comment: The p.S741G variant (also known as c.2221A>G), located in coding exon 8 of the AXIN2 gene, results from an A to G substitution at nucleotide position 2221. The serine at codon 741 is replaced by glycine, an amino acid with similar properties. This amino acid position is conserved. In addition, this alteration is predicted to be tolerated by in silico analysis. Based on the available evidence, the clinical significance of this variant remains unclear.

NM_004655.4(AXIN2):c.2221A>G (p.Ser741Gly)

Gene: AXIN2 (axin 2; minus strand). Cytogenetic location: 17q24.1.
Variant type: single nucleotide variant.
Coding change: c.2221A>G on transcript NM_004655.4 (MANE Select); coding-DNA position 2221, A replaced by G.
Protein change: p.Ser741Gly; replaces serine 741 with glycine.
Molecular consequence: missense variant.
Genome position (GRCh38, 1-based): chr17:65,535,642, T>C on the plus strand (A>G on the coding strand, the complement: AXIN2 is on the minus strand). VCF-style: chr17-65535642-T-C. GRCh37 (hg19) VCF-style: chr17-63531760-T-C.
Other names: c.2026A>G, p.Ser676Gly (NM_001363813.1); short protein forms S741G, S676G.
Identifiers: ClinVar variation 5032639 (VCV005032639.1).